The following is an entry in ClinVar:

ClinVar aggregate classification (germline): Uncertain significance (1 of 4 stars; one submission).

Allele frequency attached by ClinVar (database versions not stated): gnomAD exomes 0.00006; ExAC 0.00010; gnomAD 0.00016 and 0.00018; 1000 Genomes Project 0.00020; 1000 Genomes Project 30x 0.00031; ESP Exome Variant Server 0.00046.
gnomAD v4.1: 69 of 1,601,530 alleles (0.0043%); highest among the groups gnomAD compares: African/African-American, 0.062%; no homozygotes.

Submission:

GeneDx
Classification: Uncertain significance. Last evaluated: 2022-03-11. Review status: criteria provided, single submitter. Criteria: GeneDx Variant Classification Process June 2021. Collection method: clinical testing. Allele origin: germline. Affected: yes.
Comment: In silico analysis supports that this variant does not alter splicing; Has not been previously published as pathogenic or benign to our knowledge

NM_153676.4(USH1C):c.1591C>T (p.Arg531Cys)

Gene: USH1C (USH1 protein network component harmonin; minus strand). Cytogenetic location: 11p15.1.
Variant type: single nucleotide variant.
Coding change: c.1591C>T on transcript NM_153676.4 (MANE Select); coding-DNA position 1591, C replaced by T.
Protein change: p.Arg531Cys; replaces arginine 531 with cysteine.
Molecular consequence: missense variant. On other transcripts: intron variant (2).
Genome position (GRCh38, 1-based): chr11:17,509,778, G>A on the plus strand (C>T on the coding strand, the complement: USH1C is on the minus strand). VCF-style: chr11-17509778-G-A. GRCh37 (hg19) VCF-style: chr11-17531325-G-A.
Other names: c.1227+7623C>T (NM_001297764.2); c.1284+7623C>T (NM_005709.4); short protein forms R531C.
Identifiers: ClinVar variation 1306040 (VCV001306040.3), dbSNP rs140528164, ClinGen allele CA5904496.